The following is an entry in ClinVar:

ClinVar aggregate classification (germline): Conflicting classifications of pathogenicity. Review status: criteria provided, conflicting classifications (1 of 4 stars). 2 submissions from 2 submitters: Uncertain significance (1); Likely benign (1). Last evaluated 2025-10-27.

Conditions:
Fanconi anemia complementation group J. Also called: BRIP1-Related Fanconi Anemia. Identifiers: Orphanet 84, MedGen C1836860, MONDO:0012187, OMIM 609054.
Familial cancer of breast. Also called: BREAST CANCER, FAMILIAL; hereditary breast carcinoma; Hereditary breast cancer. Identifiers: Orphanet 227535, MedGen C0346153, MONDO:0016419, OMIM 114480. Disease mechanism: loss of function.

Allele frequency attached by ClinVar (database versions not stated): gnomAD exomes below 0.00001 and 0.00001.
gnomAD v4.1: 9 of 1,603,552 alleles (0.00056%); highest among the groups gnomAD compares: South Asian, 0.0011%; no homozygotes.

Submissions (2):

Labcorp Genetics (formerly Invitae), Labcorp
Classification: Uncertain significance for Familial cancer of breast; Fanconi anemia complementation group J. Last evaluated: 2025-10-27. Review status: criteria provided, single submitter. Criteria: Invitae Variant Classification Sherloc (09022015). Collection method: clinical testing. Allele origin: germline.
Comment: This sequence change falls in intron 8 of the BRIP1 gene. It does not directly change the encoded amino acid sequence of the BRIP1 protein. This variant is present in population databases (no rsID available, gnomAD 0.003%). This variant has not been reported in the literature in individuals affected with BRIP1-related conditions. ClinVar contains an entry for this variant (Variation ID: 461061). Algorithms developed to predict the effect of sequence changes on RNA splicing suggest that this variant may disrupt the consensus splice site. In summary, the available evidence is currently insufficient to determine the role of this variant in disease. Therefore, it has been classified as a Variant of Uncertain Significance.

Myriad Genetics, Inc.
Classification: Likely benign for Familial cancer of breast. Last evaluated: 2024-08-23. Review status: criteria provided, single submitter. Criteria: Myriad Autosomal Dominant, Autosomal Recessive and X-Linked Classification Criteria (2023). Collection method: clinical testing. Allele origin: unknown.
Comment: This variant is considered likely benign. This variant is intronic and is not expected to impact mRNA splicing.

NM_032043.3(BRIP1):c.1140+7A>G

Gene: BRIP1 (BRCA1 interacting DNA helicase 1; minus strand). Cytogenetic location: 17q23.2.
Variant type: single nucleotide variant.
Coding change: c.1140+7A>G on transcript NM_032043.3 (MANE Select); 7 bases into the intron after coding-DNA position 1140, A replaced by G.
Molecular consequence: intron variant.
Genome position (GRCh38, 1-based): chr17:61,801,246, T>C on the plus strand (A>G on the coding strand, the complement: BRIP1 is on the minus strand). VCF-style: chr17-61801246-T-C. GRCh37 (hg19) VCF-style: chr17-59878607-T-C.
Identifiers: ClinVar variation 461061 (VCV000461061.10), dbSNP rs1299846526, ClinGen allele CA626807417.